The following is an entry in ClinVar:

NM_003500.4(ACOX2):c.1226G>A (p.Arg409His)

Gene: ACOX2 (acyl-CoA oxidase 2; minus strand). Cytogenetic location: 3p14.3.
Variant type: single nucleotide variant.
Coding change: c.1226G>A on transcript NM_003500.4 (MANE Select); coding-DNA position 1226, G replaced by A.
Protein change: p.Arg409His; replaces arginine 409 with histidine.
Molecular consequence: missense variant.
Genome position (GRCh38, 1-based): chr3:58,526,586, C>T on the plus strand (G>A on the coding strand, the complement: ACOX2 is on the minus strand). VCF-style: chr3-58526586-C-T. GRCh37 (hg19) VCF-style: chr3-58512313-C-T.
Other names: short protein forms R409H.
Identifiers: ClinVar variation 1431599 (VCV001431599.8), dbSNP rs746437214, ClinGen allele CA2472122.
Genomic context (GRCh38, chr3:58,526,586, plus strand): 5'-TTGGTGACCAGTGATGGCAGGCCACTCAGCTTTGAGTAGCCATGTCCGCCACAGGCCCTG[C>T]GGCACATCTCAGCTCCCTGGGTGCAGAATTCTGACATCATGGCCTTCATGCCCGTGCTCA-3'
Protein context (NP_003491.1, residues 399-419): EFCTQGAEMC[Arg409His]RACGGHGYSK

ClinVar aggregate classification (germline): Uncertain significance (1 of 4 stars; one submission).

gnomAD v4.1: 83 of 1,614,202 alleles (0.0051%); highest among the groups gnomAD compares: East Asian, 0.11%; no homozygotes.

Submission:

Labcorp Genetics (formerly Invitae), Labcorp
Classification: Uncertain significance. Last evaluated: 2022-05-12. Review status: criteria provided, single submitter. Criteria: Invitae Variant Classification Sherloc (09022015). Collection method: clinical testing. Allele origin: germline.
Comment: Experimental studies have shown that this missense change affects ACOX2 function (PMID: 28400508). In summary, the available evidence is currently insufficient to determine the role of this variant in disease. Therefore, it has been classified as a Variant of Uncertain Significance. Algorithms developed to predict the effect of missense changes on protein structure and function are either unavailable or do not agree on the potential impact of this missense change (SIFT: "Deleterious"; PolyPhen-2: "Probably Damaging"; Align-GVGD: "Class C0"). This variant has not been reported in the literature in individuals affected with ACOX2-related conditions. This variant is present in population databases (rs746437214, gnomAD 0.2%). This sequence change replaces arginine, which is basic and polar, with histidine, which is basic and polar, at codon 409 of the ACOX2 protein (p.Arg409His).

Literature cited by the submitters: PubMed 28400508.